The following is an entry in ClinVar:

NM_001429.4(EP300):c.6363G>T (p.Gln2121His)

Gene: EP300 (EP300 lysine acetyltransferase; plus strand). Cytogenetic location: 22q13.2.
Variant type: single nucleotide variant.
Coding change: c.6363G>T on transcript NM_001429.4 (MANE Select); coding-DNA position 6363, G replaced by T.
Protein change: p.Gln2121His; replaces glutamine 2121 with histidine.
Molecular consequence: missense variant.
Genome position (GRCh38, 1-based): chr22:41,178,074, G>T. VCF-style: chr22-41178074-G-T. GRCh37 (hg19) VCF-style: chr22-41574078-G-T.
Other names: c.6285G>T, p.Gln2095His (NM_001362843.2); short protein forms Q2121H, Q2095H.
Identifiers: ClinVar variation 4979000 (VCV004979000.1).

ClinVar aggregate classification (germline): Uncertain significance (1 of 4 stars; one submission).

Conditions:
EP300-related disorder. Also called: EP300-related condition; EP300-related disorders.

gnomAD v4.1: 14 of 1,614,132 alleles (0.00087%); highest among the groups gnomAD compares: African/African-American, 0.0067%; no homozygotes.

Submission:

PreventionGenetics, part of Exact Sciences
Classification: Uncertain significance for EP300-related condition. Last evaluated: 2025-08-01. Review status: criteria provided, single submitter. Criteria: ACMG Guidelines, 2015. Collection method: clinical testing. Allele origin: germline.
Comment: The EP300 c.6363G>T variant is predicted to result in the amino acid substitution p.Gln2121His. To our knowledge, this variant has not been reported in the literature. This variant is reported in 0.0062% of alleles in individuals of African descent in gnomAD. At this time, the clinical significance of this variant is uncertain due to the absence of conclusive functional and genetic evidence.